The following is an entry in ClinVar:

ClinVar aggregate classification (germline): Uncertain significance (1 of 4 stars; one submission).

gnomAD v4.1: 1 of 1,611,314 alleles (0.000062%); highest among the groups gnomAD compares: Non-Finnish European, 0.000085%; no homozygotes.

Submission:

Labcorp Genetics (formerly Invitae), Labcorp
Classification: Uncertain significance. Last evaluated: 2024-09-19. Review status: criteria provided, single submitter. Criteria: Invitae Variant Classification Sherloc (09022015). Collection method: clinical testing. Allele origin: germline.
Comment: This sequence change replaces valine, which is neutral and non-polar, with isoleucine, which is neutral and non-polar, at codon 446 of the CEP78 protein (p.Val446Ile). This variant is not present in population databases (gnomAD no frequency). This variant has not been reported in the literature in individuals affected with CEP78-related conditions. Invitae Evidence Modeling of protein sequence and biophysical properties (such as structural, functional, and spatial information, amino acid conservation, physicochemical variation, residue mobility, and thermodynamic stability) indicates that this missense variant is not expected to disrupt CEP78 protein function with a negative predictive value of 80%. In summary, the available evidence is currently insufficient to determine the role of this variant in disease. Therefore, it has been classified as a Variant of Uncertain Significance.

NM_001330691.3(CEP78):c.1333G>A (p.Val445Ile)

Gene: CEP78 (centrosomal protein 78; plus strand). Cytogenetic location: 9q21.2.
Variant type: single nucleotide variant.
Coding change: c.1333G>A on transcript NM_001330691.3 (MANE Select); coding-DNA position 1333, G replaced by A.
Protein change: p.Val445Ile; replaces valine 445 with isoleucine.
Molecular consequence: missense variant.
Genome position (GRCh38, 1-based): chr9:78,254,917, G>A. VCF-style: chr9-78254917-G-A. GRCh37 (hg19) VCF-style: chr9-80869833-G-A.
Other names: c.1336G>A, p.Val446Ile (NM_001098802.3, NM_001349839.2, NM_001349840.2 and 1 more transcripts); c.1333G>A, p.Val445Ile (NM_001330693.3, NM_001330694.2, NM_001349838.2); short protein forms V446I, V445I.
Identifiers: ClinVar variation 3666619 (VCV003666619.2).